The following is an entry in ClinVar:

NM_153704.6(TMEM67):c.2322+4A>C

Gene: TMEM67 (transmembrane protein 67; plus strand). Cytogenetic location: 8q22.1.
Variant type: single nucleotide variant.
Coding change: c.2322+4A>C on transcript NM_153704.6 (MANE Select); 4 bases into the intron after coding-DNA position 2322, A replaced by C.
Molecular consequence: intron variant.
Genome position (GRCh38, 1-based): chr8:93,803,688, A>C. VCF-style: chr8-93803688-A-C. GRCh37 (hg19) VCF-style: chr8-94815916-A-C.
Other names: c.2079+4A>C (NM_001142301.1).
Identifiers: ClinVar variation 1351914 (VCV001351914.6), dbSNP rs1386323468, ClinGen allele CA2573143469.

ClinVar aggregate classification (germline): Uncertain significance (1 of 4 stars; one submission).

Conditions:
Joubert syndrome. Also called: CEREBELLOPARENCHYMAL DISORDER IV; JOUBERT-BOLTSHAUSER SYNDROME; Familial aplasia of the vermis. Identifiers: Orphanet 475, MedGen C5979921, MONDO:0018772.
Meckel-Gruber syndrome. Also called: DYSENCEPHALIA SPLANCHNOCYSTICA; GRUBER SYNDROME; Dysencephalia splachnocystica. Identifiers: Orphanet 564, MedGen C0265215, MONDO:0018921.

Submission:

Labcorp Genetics (formerly Invitae), Labcorp
Classification: Uncertain significance for Joubert syndrome; Meckel-Gruber syndrome. Last evaluated: 2021-11-15. Review status: criteria provided, single submitter. Criteria: Invitae Variant Classification Sherloc (09022015). Collection method: clinical testing. Allele origin: germline.
Comment: In summary, the available evidence is currently insufficient to determine the role of this variant in disease. Therefore, it has been classified as a Variant of Uncertain Significance. This sequence change falls in intron 22 of the TMEM67 gene. It does not directly change the encoded amino acid sequence of the TMEM67 protein. It affects a nucleotide within the consensus splice site. This variant is not present in population databases (gnomAD no frequency). This variant has not been reported in the literature in individuals affected with TMEM67-related conditions. Variants that disrupt the consensus splice site are a relatively common cause of aberrant splicing (PMID: 17576681, 9536098). Algorithms developed to predict the effect of sequence changes on RNA splicing suggest that this variant may disrupt the consensus splice site.

Literature cited by the submitters: PubMed 17576681; PubMed 9536098.